The following is an entry in ClinVar:

NM_000350.3(ABCA4):c.1595C>T (p.Thr532Ile)

Gene: ABCA4 (ATP binding cassette subfamily A member 4; minus strand). Cytogenetic location: 1p22.1.
Variant type: single nucleotide variant.
Coding change: c.1595C>T on transcript NM_000350.3 (MANE Select); coding-DNA position 1595, C replaced by T.
Protein change: p.Thr532Ile; replaces threonine 532 with isoleucine.
Molecular consequence: missense variant.
Genome position (GRCh38, 1-based): chr1:94,063,277, G>A on the plus strand (C>T on the coding strand, the complement: ABCA4 is on the minus strand). VCF-style: chr1-94063277-G-A. GRCh37 (hg19) VCF-style: chr1-94528833-G-A.
Other names: c.1595C>T, p.Thr532Ile (NM_001425324.1); short protein forms T532I.
Identifiers: ClinVar variation 1408033 (VCV001408033.9), dbSNP rs1023123094, ClinGen allele CA26848655.

ClinVar aggregate classification (germline): Uncertain significance. Review status: criteria provided, multiple submitters, no conflicts (2 of 4 stars). 2 submissions from 2 submitters: Uncertain significance (2). Last evaluated 2025-12-19.

Allele frequency attached by ClinVar (database versions not stated): gnomAD exomes below 0.00001; gnomAD 0.00002; TOPMed 0.00002.
gnomAD v4.1: 7 of 1,614,036 alleles (0.00043%); highest among the groups gnomAD compares: African/African-American, 0.0093%; no homozygotes.

Submissions (2):

Dasa
Classification: Uncertain significance. Last evaluated: 2025-12-19. Review status: criteria provided, single submitter. Criteria: DASA Assertion Criteria. Collection method: clinical testing. Allele origin: germline.
Comment: NM_000350.3(ABCA4):c.1595C>T (p.Thr532Ile) is a missense variant that results in the substitution of threonine with isoleucine. This variant is rare in population databases. The currently available literature and clinical evidence are not sufficient to establish a definitive association between this variant and the reported condition. Therefore, this variant is classified as a variant of uncertain significance.

Labcorp Genetics (formerly Invitae), Labcorp
Classification: Uncertain significance. Last evaluated: 2024-10-29. Review status: criteria provided, single submitter. Criteria: Invitae Variant Classification Sherloc (09022015). Collection method: clinical testing. Allele origin: germline.
Comment: This sequence change replaces threonine, which is neutral and polar, with isoleucine, which is neutral and non-polar, at codon 532 of the ABCA4 protein (p.Thr532Ile). This variant is not present in population databases (gnomAD no frequency). This variant has not been reported in the literature in individuals affected with ABCA4-related conditions. ClinVar contains an entry for this variant (Variation ID: 1408033). An algorithm developed to predict the effect of missense changes on protein structure and function outputs the following: PolyPhen-2: "Benign". The isoleucine amino acid residue is found in multiple mammalian species, which suggests that this missense change does not adversely affect protein function. In summary, the available evidence is currently insufficient to determine the role of this variant in disease. Therefore, it has been classified as a Variant of Uncertain Significance.